The following is an entry in ClinVar:

NM_000975.5(RPL11):c.238GAA[1] (p.Glu81del)

Gene: RPL11 (ribosomal protein L11; plus strand). Cytogenetic location: 1p36.11.
Variant type: Microsatellite.
Coding change: c.238GAA[1] on transcript NM_000975.5 (MANE Select); one copy of the 3-base unit GAA starting at c.238; the reference has two copies in a row; one copy, 3 bases deleted; also written c.241_243del.
Protein change: p.Glu81del; deletes glutamic acid 81.
Molecular consequence: inframe deletion.
Genome position (GRCh38, 1-based): chr1:23,693,890-23,693,892, GAA deleted; deleting any 3 consecutive bases within chr1:23,693,886-23,693,892 gives the same sequence; the position shown is the placement nearest the transcript's 3' end. VCF-style (leftmost placement, unchanged base first): chr1-23693885-CAGA-C. GRCh37 (hg19) VCF-style: chr1-24020375-CAGA-C.
Other names: c.235GAA[1], p.Glu80del (NM_001199802.1); c.234_236del (NM_001199802.1); c.241_243del (NM_000975.5); short protein forms E80del, E81del.
Identifiers: ClinVar variation 2435471 (VCV002435471.4), dbSNP rs2523398326, ClinGen allele CA2580611429.

ClinVar aggregate classification (germline): Conflicting classifications of pathogenicity. Review status: criteria provided, conflicting classifications (1 of 4 stars). 2 submissions from 2 submitters: Likely pathogenic (1); Uncertain significance (1). Last evaluated 2025-10-15.

Conditions:
Diamond-Blackfan anemia 7 (DBA7). Also called: RPL11-Related Diamond-Blackfan Anemia. Identifiers: Orphanet 124, MedGen C2675512, MONDO:0012938, OMIM 612562.

Submissions (2):

Precision Medical Center, Wuhan Children's Hospital
Classification: Likely pathogenic for Diamond-Blackfan anemia 7. Last evaluated: 2025-10-15. Review status: criteria provided, single submitter. Criteria: ACMG Guidelines, 2015. Collection method: clinical testing. Allele origin: germline. Inheritance: Autosomal dominant inheritance. Affected: yes. Observed: 1 heterozygote.
Comment: c.234_236del is an inframe deletion mutation. A variant observed to have arisen de novo (parental samples testing negative) is considered strong support for pathogenicity if the following conditions are met: (i) Both parental samples were shown through identity testing to be from the biological parents of the patient(PS2). Variant is absent from a large general population or a control cohort (>1,000 individuals) and the population is race-matched to the patient harboring the identified variant, then this observation can be considered a moderate piece of evidence for pathogenicity (PM2). Patient’s phenotype or fanmily history is highly specific for a disease with a single genetic etiology(PP4). In summary, this variant meets criteria to be classified as likely pathogenic.

Revvity Omics, Revvity
Classification: Uncertain significance for Diamond-Blackfan anemia 7. Last evaluated: 2022-06-03. Review status: criteria provided, single submitter. Criteria: ACMG Guidelines, 2015. Collection method: clinical testing. Allele origin: germline.

Literature cited by the submitters: PubMed 19191325 (cited by Precision Medical Center, Wuhan Children's Hospital).